The following is an entry in ClinVar:

ClinVar aggregate classification (germline): Likely benign. Review status: criteria provided, multiple submitters, no conflicts (2 of 4 stars). 3 submissions from 3 submitters: Likely benign (2). 1 of the submissions does not count toward it. Last evaluated 2025-12-13.

Conditions:
MFSD8-related disorder. Also called: MFSD8-related condition.
Neuronal ceroid lipofuscinosis 7 (CLN7). Also called: MFSD8-Related Neuronal Ceroid-Lipofuscinosis. Identifiers: Orphanet 168491, Orphanet 228366, MedGen C1838571, MONDO:0012588, OMIM 610951.

Allele frequency attached by ClinVar (database versions not stated): gnomAD exomes below 0.00001; ExAC 0.00001; gnomAD 0.00002; TOPMed 0.00003.
gnomAD v4.1: 5 of 1,609,348 alleles (0.00031%); highest among the groups gnomAD compares: East Asian, 0.0022%; no homozygotes.

Submissions (3):

Labcorp Genetics (formerly Invitae), Labcorp
Classification: Likely benign for Neuronal ceroid lipofuscinosis 7. Last evaluated: 2025-12-13. Review status: criteria provided, single submitter. Criteria: Invitae Variant Classification Sherloc (09022015). Collection method: clinical testing. Allele origin: germline.

GeneDx
Classification: Likely benign. Last evaluated: 2018-01-25. Review status: criteria provided, single submitter. Criteria: GeneDx Variant Classification (06012015). Collection method: clinical testing. Allele origin: germline. Affected: yes.
Comment: This variant is considered likely benign or benign based on one or more of the following criteria: it is a conservative change, it occurs at a poorly conserved position in the protein, it is predicted to be benign by multiple in silico algorithms, and/or has population frequency not consistent with disease.

PreventionGenetics, part of Exact Sciences
Classification: Likely benign for MFSD8-related condition. Last evaluated: 2019-08-20. Review status: no assertion criteria provided. Collection method: clinical testing. Allele origin: germline. Not counted in ClinVar's aggregate classification.
Comment: This variant is classified as likely benign based on ACMG/AMP sequence variant interpretation guidelines (Richards et al. 2015 PMID: 25741868, with internal and published modifications).

NM_001371596.2(MFSD8):c.755-4A>G

Gene: MFSD8 (major facilitator superfamily domain containing 8; minus strand). Cytogenetic location: 4q28.2.
Variant type: single nucleotide variant.
Coding change: c.755-4A>G on transcript NM_001371596.2 (MANE Select); 4 bases into the intron before coding-DNA position 755, A replaced by G.
Molecular consequence: intron variant.
Genome position (GRCh38, 1-based): chr4:127,933,097, T>C on the plus strand (A>G on the coding strand, the complement: MFSD8 is on the minus strand). VCF-style: chr4-127933097-T-C. GRCh37 (hg19) VCF-style: chr4-128854252-T-C.
Other names: c.473-4A>G (NM_001371595.1); c.305-4A>G (NM_001410765.1); c.620-4A>G (NM_001371590.2); c.755-4A>G (NM_152778.4, NM_001371591.2); c.440-4A>G (NM_001363521.3); c.641-4A>G (NM_001410766.1, NM_001371593.2); c.554-4A>G (NM_001363520.3); c.608-4A>G (NM_001371594.2); and 1 more.
Identifiers: ClinVar variation 516215 (VCV000516215.11), dbSNP rs766510873, ClinGen allele CA3077377.